The following is an entry in ClinVar:

ClinVar aggregate classification (germline): Pathogenic (1 of 4 stars; one submission).

Submission:

Labcorp Genetics (formerly Invitae), Labcorp
Classification: Pathogenic. Last evaluated: 2025-07-27. Review status: criteria provided, single submitter. Criteria: Invitae Variant Classification Sherloc (09022015). Collection method: clinical testing. Allele origin: germline.
Comment: This sequence change creates a premature translational stop signal (p.Asn281delinsLeu*) in the TET2 gene. It is expected to result in an absent or disrupted protein product. Loss-of-function variants in TET2 are known to be pathogenic (PMID: 36066697). This variant is not present in population databases (gnomAD no frequency). This variant has not been reported in the literature in individuals affected with TET2-related conditions. For these reasons, this variant has been classified as Pathogenic.

Literature cited by the submitters: PubMed 36066697.

NM_001127208.3(TET2):c.837_840dup (p.Asn281delinsLeuTer)

Genes: TET2 (tet methylcytosine dioxygenase 2; plus strand), TET2-AS1 (TET2 antisense RNA 1; minus strand). Cytogenetic location: 4q24.
Variant type: Microsatellite.
Coding change: c.837_840dup on transcript NM_001127208.3 (MANE Select); coding-DNA positions 837 to 840, 4 bases duplicated (CTCT; older notation c.837_840dupCTCT).
Protein change: p.Asn281delinsLeuTer.
Molecular consequence: nonsense.
Genome position (GRCh38, 1-based): chr4:105,234,779-105,234,782, CTCT duplicated. VCF-style (leftmost placement, unchanged base first): chr4-105234778-C-CCTCT. GRCh37 (hg19) VCF-style: chr4-106155935-C-CCTCT.
Other names: c.837_840dup, p.Asn281delinsLeuTer (NM_017628.4).
Identifiers: ClinVar variation 4724186 (VCV004724186.1).